The following is an entry in ClinVar:

ClinVar aggregate classification (germline): Uncertain significance (1 of 4 stars; one submission).

Conditions:
Dilated cardiomyopathy 1J (CMD1J). Also called: CARDIOMYOPATHY, DILATED, WITH SENSORINEURAL HEARING LOSS, AUTOSOMAL DOMINANT. Identifiers: Orphanet 217622, MedGen C1854368, MONDO:0011541, OMIM 605362.

Submission:

Labcorp Genetics (formerly Invitae), Labcorp
Classification: Uncertain significance for Dilated cardiomyopathy 1J. Last evaluated: 2024-10-16. Review status: criteria provided, single submitter. Criteria: Invitae Variant Classification Sherloc (09022015). Collection method: clinical testing. Allele origin: germline.
Comment: This sequence change replaces histidine, which is basic and polar, with arginine, which is basic and polar, at codon 457 of the EYA4 protein (p.His457Arg). This variant is not present in population databases (gnomAD no frequency). This variant has not been reported in the literature in individuals affected with EYA4-related conditions. ClinVar contains an entry for this variant (Variation ID: 1464648). Invitae Evidence Modeling of protein sequence and biophysical properties (such as structural, functional, and spatial information, amino acid conservation, physicochemical variation, residue mobility, and thermodynamic stability) indicates that this missense variant is not expected to disrupt EYA4 protein function with a negative predictive value of 80%. In summary, the available evidence is currently insufficient to determine the role of this variant in disease. Therefore, it has been classified as a Variant of Uncertain Significance.

NM_004100.5(EYA4):c.1370A>G (p.His457Arg)

Genes: EYA4 (EYA transcriptional coactivator and phosphatase 4; plus strand), TARID (TCF21 antisense RNA inducing promoter demethylation; minus strand). Cytogenetic location: 6q23.2.
Variant type: single nucleotide variant.
Coding change: c.1370A>G on transcript NM_004100.5 (MANE Select); coding-DNA position 1370, A replaced by G.
Protein change: p.His457Arg; replaces histidine 457 with arginine.
Molecular consequence: missense variant.
Genome position (GRCh38, 1-based): chr6:133,512,907, A>G. VCF-style: chr6-133512907-A-G. GRCh37 (hg19) VCF-style: chr6-133834045-A-G.
Other names: c.1208A>G, p.His403Arg (NM_001301012.2); c.1388A>G, p.His463Arg (NM_001301013.2); c.1301A>G, p.His434Arg (NM_001370458.1, NM_172103.4); c.1226A>G, p.His409Arg (NM_001370459.1); c.1370A>G, p.His457Arg (NM_172105.4); short protein forms H409R, H463R, H403R, H434R, H457R.
Identifiers: ClinVar variation 1464648 (VCV001464648.6), dbSNP rs2128782282, ClinGen allele CA365715001.